The following is an entry in ClinVar:

ClinVar aggregate classification (germline): Uncertain significance (1 of 4 stars; one submission).

Allele frequency attached by ClinVar (database versions not stated): gnomAD exomes 0.00001; TOPMed 0.00001; gnomAD 0.00002.
gnomAD v4.1: 15 of 1,613,836 alleles (0.00093%); highest among the groups gnomAD compares: South Asian, 0.0022%; no homozygotes.

Submission:

Labcorp Genetics (formerly Invitae), Labcorp
Classification: Uncertain significance. Last evaluated: 2023-09-22. Review status: criteria provided, single submitter. Criteria: Invitae Variant Classification Sherloc (09022015). Collection method: clinical testing. Allele origin: germline.
Comment: This sequence change replaces arginine, which is basic and polar, with glutamine, which is neutral and polar, at codon 574 of the RHOBTB2 protein (p.Arg574Gln). This variant is present in population databases (no rsID available, gnomAD 0.0009%). This variant has not been reported in the literature in individuals affected with RHOBTB2-related conditions. Advanced modeling of protein sequence and biophysical properties (such as structural, functional, and spatial information, amino acid conservation, physicochemical variation, residue mobility, and thermodynamic stability) performed at Invitae indicates that this missense variant is not expected to disrupt RHOBTB2 protein function. In summary, the available evidence is currently insufficient to determine the role of this variant in disease. Therefore, it has been classified as a Variant of Uncertain Significance.

NM_015178.3(RHOBTB2):c.1655G>A (p.Arg552Gln)

Gene: RHOBTB2 (Rho related BTB domain containing 2; plus strand). Cytogenetic location: 8p21.3.
Variant type: single nucleotide variant.
Coding change: c.1655G>A on transcript NM_015178.3 (MANE Select); coding-DNA position 1655, G replaced by A.
Protein change: p.Arg552Gln; replaces arginine 552 with glutamine.
Molecular consequence: missense variant.
Genome position (GRCh38, 1-based): chr8:23,010,572, G>A. VCF-style: chr8-23010572-G-A. GRCh37 (hg19) VCF-style: chr8-22868085-G-A.
Other names: c.1721G>A, p.Arg574Gln (NM_001160036.2); c.1676G>A, p.Arg559Gln (NM_001160037.2); c.1655G>A, p.Arg552Gln (NM_001374791.1); short protein forms R552Q, R574Q, R559Q.
Identifiers: ClinVar variation 2903288 (VCV002903288.3), dbSNP rs1323393409, ClinGen allele CA370572193.